The following is an entry in ClinVar:

NM_130847.3(AMOTL1):c.768C>T (p.Gly256=)

Gene: AMOTL1 (angiomotin like 1; plus strand). Cytogenetic location: 11q21.
Variant type: single nucleotide variant.
Coding change: c.768C>T on transcript NM_130847.3 (MANE Select); coding-DNA position 768, C replaced by T.
Protein change: p.Gly256=; no amino-acid change (glycine 256 retained).
Molecular consequence: synonymous variant.
Genome position (GRCh38, 1-based): chr11:94,799,958, C>T. VCF-style: chr11-94799958-C-T. GRCh37 (hg19) VCF-style: chr11-94533124-C-T.
Other names: c.618C>T, p.Gly206= (NM_001301007.2).
Identifiers: ClinVar variation 3250677 (VCV003250677.18), dbSNP rs199694915.

ClinVar aggregate classification (germline): Likely benign (1 of 4 stars; one submission).

Allele frequency attached by ClinVar (database versions not stated): gnomAD exomes 0.00003; ExAC 0.00009; ESP Exome Variant Server 0.00024; TOPMed 0.00047; gnomAD 0.00052; 1000 Genomes Project 30x 0.00078; 1000 Genomes Project 0.00080.
gnomAD v4.1: 129 of 1,613,904 alleles (0.008%); highest among the groups gnomAD compares: African/African-American, 0.17%; no homozygotes.

Submission:

CeGaT Center for Human Genetics Tuebingen
Classification: Likely benign. Last evaluated: 2024-06-01. Review status: criteria provided, single submitter. Criteria: CeGaT Center For Human Genetics Tuebingen Variant Classification Criteria Version 2. Collection method: clinical testing. Allele origin: germline. Affected: yes. Observed: 1 variant allele.
Comment: AMOTL1: BP4, BP7